The following is an entry in ClinVar:

NM_003356.4(UCP3):c.895C>T (p.Arg299Trp)

Gene: UCP3 (uncoupling protein 3; minus strand). Cytogenetic location: 11q13.4.
Variant type: single nucleotide variant.
Coding change: c.895C>T on transcript NM_003356.4 (MANE Select); coding-DNA position 895, C replaced by T.
Protein change: p.Arg299Trp; replaces arginine 299 with tryptophan.
Molecular consequence: missense variant.
Genome position (GRCh38, 1-based): chr11:74,001,456, G>A on the plus strand (C>T on the coding strand, the complement: UCP3 is on the minus strand). VCF-style: chr11-74001456-G-A. GRCh37 (hg19) VCF-style: chr11-73712501-G-A.
Other names: short protein forms R299W.
Identifiers: ClinVar variation 3357077 (VCV003357077.1).
Genomic context (GRCh38, chr11:74,001,456, plus strand): 5'-GGCCTTCTTGTCTTGTTCAAAACGGTGATTCCCGTAACATCTGGACTTTCATCAGGGCCC[G>A]TTTCAGCTGCTCATAGGTTACGAACATCACCACGTTCCAGGATCCCAAACGCAAAAAGGA-3'
Protein context (NP_003347.1, residues 289-309): VMFVTYEQLK[Arg299Trp]ALMKVQMLRE

ClinVar aggregate classification (germline): Uncertain significance (0 of 4 stars; one submission).

Conditions:
UCP3-related disorder. Also called: UCP3-related condition.

gnomAD v4.1: 4 of 1,614,158 alleles (0.00025%); highest among the groups gnomAD compares: African/African-American, 0.0027%; no homozygotes.

Submission:

PreventionGenetics, part of Exact Sciences
Classification: Uncertain significance for UCP3-related condition. Last evaluated: 2024-07-31. Review status: no assertion criteria provided. Collection method: clinical testing. Allele origin: germline.
Comment: The UCP3 c.895C>T variant is predicted to result in the amino acid substitution p.Arg299Trp. To our knowledge, this variant has not been reported in the literature. This variant is reported in 0.0062% of alleles in individuals of African descent in gnomAD. At this time, the clinical significance of this variant is uncertain due to the absence of conclusive functional and genetic evidence.